The following is an entry in ClinVar:

NM_002470.4(MYH3):c.3850G>A (p.Glu1284Lys)

Gene: MYH3 (myosin heavy chain 3; minus strand). Cytogenetic location: 17p13.1.
Variant type: single nucleotide variant.
Coding change: c.3850G>A on transcript NM_002470.4 (MANE Select); coding-DNA position 3850, G replaced by A.
Protein change: p.Glu1284Lys; replaces glutamic acid 1284 with lysine.
Molecular consequence: missense variant.
Genome position (GRCh38, 1-based): chr17:10,637,815, C>T on the plus strand (G>A on the coding strand, the complement: MYH3 is on the minus strand). VCF-style: chr17-10637815-C-T. GRCh37 (hg19) VCF-style: chr17-10541132-C-T.
Other names: short protein forms E1284K.
Identifiers: ClinVar variation 885149 (VCV000885149.10), dbSNP rs761684970, ClinGen allele CA8392392.
Genomic context (GRCh38, chr17:10,637,815, plus strand): 5'-GCCCATTGGGTGCCAGGAGGTTTTGGCCCCACGGGTTTTCTGCACGTGGCTTACCAGCCT[C>T]GGTCTGCAAACGAGACTTCTGTGTGGTCAGCTCGCTCAGGCTCCTCTGAATTTCCTCATT-3'
Protein context (NP_002461.2, residues 1274-1294): LTTQKSRLQT[Glu1284Lys]AGELSRQLEE

ClinVar aggregate classification (germline): Conflicting classifications of pathogenicity. Review status: criteria provided, conflicting classifications (1 of 4 stars). 5 submissions from 4 submitters: Uncertain significance (4); Benign (1). Last evaluated 2025-08-11.

Conditions:
Freeman-Sheldon syndrome (DA2A). Also called: Arthrogryposis, distal, type 2A (Freeman-Sheldon); CRANIOCARPOTARSAL DYSPLASIA; CRANIOCARPOTARSAL DYSTROPHY; WHISTLING FACE-WINDMILL VANE HAND SYNDROME. Identifiers: Orphanet 2053, MedGen C0265224, MONDO:0008675, OMIM 193700.
Distal arthrogryposis type 2B1 (DA2B1). Also called: Arthrogryposis multiplex congenita distal type II with craniofacial abnormalities. Identifiers: Orphanet 1147, MedGen C5193014, MONDO:0020820, OMIM 601680.
Inborn genetic diseases. Identifiers: MedGen C0950123, MeSH D030342.

Allele frequency attached by ClinVar (database versions not stated): gnomAD 0.00001; gnomAD exomes 0.00002 and 0.00004; TOPMed 0.00002; ExAC 0.00006.
gnomAD v4.1: 36 of 1,613,994 alleles (0.0022%); highest among the groups gnomAD compares: Admixed American, 0.015%; no homozygotes.

Submissions (5):

Labcorp Genetics (formerly Invitae), Labcorp
Classification: Uncertain significance. Last evaluated: 2025-08-11. Review status: criteria provided, single submitter. Criteria: Invitae Variant Classification Sherloc (09022015). Collection method: clinical testing. Allele origin: germline.
Comment: This sequence change replaces glutamic acid, which is acidic and polar, with lysine, which is basic and polar, at codon 1284 of the MYH3 protein (p.Glu1284Lys). This variant is present in population databases (rs761684970, gnomAD 0.006%). This variant has not been reported in the literature in individuals affected with MYH3-related conditions. ClinVar contains an entry for this variant (Variation ID: 885149). Invitae Evidence Modeling of protein sequence and biophysical properties (such as structural, functional, and spatial information, amino acid conservation, physicochemical variation, residue mobility, and thermodynamic stability) indicates that this missense variant is not expected to disrupt MYH3 protein function with a negative predictive value of 95%. In summary, the available evidence is currently insufficient to determine the role of this variant in disease. Therefore, it has been classified as a Variant of Uncertain Significance.

Ambry Genetics
Classification: Uncertain significance for Inborn genetic diseases. Last evaluated: 2025-03-07. Review status: criteria provided, single submitter. Criteria: Ambry Variant Classification Scheme 2023. Collection method: clinical testing. Allele origin: germline.

GeneDx
Classification: Uncertain significance. Last evaluated: 2022-06-09. Review status: criteria provided, single submitter. Criteria: GeneDx Variant Classification Process June 2021. Collection method: clinical testing. Allele origin: germline. Affected: yes.
Comment: In silico analysis supports that this missense variant has a deleterious effect on protein structure/function; Has not been previously published as pathogenic or benign to our knowledge

Illumina Laboratory Services, Illumina
Classification: Uncertain significance for Distal arthrogryposis type 2B1. Last evaluated: 2018-01-17. Review status: criteria provided, single submitter. Criteria: ICSL Variant Classification Criteria 13 December 2019. Collection method: clinical testing. Allele origin: germline.

Illumina Laboratory Services, Illumina
Classification: Benign for Freeman-Sheldon syndrome. Last evaluated: 2018-01-17. Review status: criteria provided, single submitter. Criteria: ICSL Variant Classification Criteria 13 December 2019. Collection method: clinical testing. Allele origin: germline.
Comment: This variant was observed in the ICSL laboratory as part of a predisposition screen in an ostensibly healthy population. It had not been previously curated by ICSL or reported in the Human Gene Mutation Database (HGMD: prior to June 1st, 2018), and was therefore a candidate for classification through an automated scoring system. Utilizing variant allele frequency, disease prevalence and penetrance estimates, and inheritance mode, an automated score was calculated to assess if this variant is too frequent to cause the disease. Based on the score and internal cut-off values, a variant classified as benign is not then subjected to further curation. The score for this variant resulted in a classification of benign for this disease.